The following is an entry in ClinVar:

NM_014712.3(SETD1A):c.1604G>A (p.Gly535Glu)

Gene: SETD1A (SET domain containing 1A, histone lysine methyltransferase; plus strand). Cytogenetic location: 16p11.2.
Variant type: single nucleotide variant.
Coding change: c.1604G>A on transcript NM_014712.3 (MANE Select); coding-DNA position 1604, G replaced by A.
Protein change: p.Gly535Glu; replaces glycine 535 with glutamic acid.
Molecular consequence: missense variant.
Genome position (GRCh38, 1-based): chr16:30,965,346, G>A. VCF-style: chr16-30965346-G-A. GRCh37 (hg19) VCF-style: chr16-30976667-G-A.
Other names: c.1604G>A (NM_014712.1); short protein forms G535E.
Identifiers: ClinVar variation 1676491 (VCV001676491.4), dbSNP rs2056125022, ClinGen allele CA395655266.

ClinVar aggregate classification (germline): Uncertain significance. Review status: criteria provided, multiple submitters, no conflicts (2 of 4 stars). 2 submissions from 2 submitters: Uncertain significance (2). Last evaluated 2022-03-16.

gnomAD v4.1: 1 of 1,614,148 alleles (0.000062%); highest among the groups gnomAD compares: Admixed American, 0.0017%; no homozygotes.

Submissions (2):

Greenwood Genetic Center Diagnostic Laboratories, Greenwood Genetic Center
Classification: Uncertain significance. Last evaluated: 2022-03-16. Review status: criteria provided, single submitter. Criteria: ACMG Guidelines, 2015. Collection method: clinical testing. Allele origin: germline. Affected: yes.
Comment: PM2

GeneDx
Classification: Uncertain significance. Last evaluated: 2022-01-10. Review status: criteria provided, single submitter. Criteria: GeneDx Variant Classification Process June 2021. Collection method: clinical testing. Allele origin: germline. Affected: yes.
Comment: Not observed at significant frequency in large population cohorts (gnomAD); In silico analysis supports that this missense variant does not alter protein structure/function; Has not been previously published as pathogenic or benign to our knowledge